The following is an entry in ClinVar:

ClinVar aggregate classification (germline): Uncertain significance (1 of 4 stars; one submission).

Conditions:
Spastic paraplegia. Identifiers: MedGen C0037772, HP:0001258.

Allele frequency attached by ClinVar (database versions not stated): ExAC 0.00001; gnomAD 0.00001; gnomAD exomes 0.00001; TOPMed 0.00001.
gnomAD v4.1: 7 of 1,209,218 alleles (0.00058%); highest among the groups gnomAD compares: East Asian, 0.003%; no homozygotes.

Submission:

Labcorp Genetics (formerly Invitae), Labcorp
Classification: Uncertain significance for Spastic paraplegia. Last evaluated: 2023-04-17. Review status: criteria provided, single submitter. Criteria: Invitae Variant Classification Sherloc (09022015). Collection method: clinical testing. Allele origin: germline.
Comment: In summary, the available evidence is currently insufficient to determine the role of this variant in disease. Therefore, it has been classified as a Variant of Uncertain Significance. Advanced modeling of protein sequence and biophysical properties (such as structural, functional, and spatial information, amino acid conservation, physicochemical variation, residue mobility, and thermodynamic stability) has been performed at Invitae for this missense variant, however the output from this modeling did not meet the statistical confidence thresholds required to predict the impact of this variant on L1CAM protein function. This variant has not been reported in the literature in individuals affected with L1CAM-related conditions. This variant is present in population databases (rs781912495, gnomAD 0.001%), including at least one homozygous and/or hemizygous individual. This sequence change replaces proline, which is neutral and non-polar, with leucine, which is neutral and non-polar, at codon 835 of the L1CAM protein (p.Pro835Leu).

NM_001278116.2(L1CAM):c.2504C>T (p.Pro835Leu)

Gene: L1CAM (L1 cell adhesion molecule; minus strand). Cytogenetic location: Xq28.
Variant type: single nucleotide variant.
Coding change: c.2504C>T on transcript NM_001278116.2 (MANE Select); coding-DNA position 2504, C replaced by T.
Protein change: p.Pro835Leu; replaces proline 835 with leucine.
Molecular consequence: missense variant.
Genome position (GRCh38, 1-based): chrX:153,865,747, G>A on the plus strand (C>T on the coding strand, the complement: L1CAM is on the minus strand). VCF-style: chrX-153865747-G-A. GRCh37 (hg19) VCF-style: chrX-153131202-G-A.
Other names: c.2504C>T, p.Pro835Leu (NM_000425.5, NM_024003.3); c.2489C>T, p.Pro830Leu (NM_001143963.2); short protein forms P830L, P835L.
Identifiers: ClinVar variation 2728076 (VCV002728076.3), dbSNP rs781912495, ClinGen allele CA10554163.